The following is an entry in ClinVar:

ClinVar aggregate classification (germline): Benign (1 of 4 stars; one submission).

Allele frequency attached by ClinVar (database versions not stated): gnomAD exomes 0.20559; 1000 Genomes Project 0.26138; 1000 Genomes Project 30x 0.27389; gnomAD 0.27591 and 0.28416; TOPMed 0.27817.
gnomAD v4.1: 118,185 of 522,812 alleles (23%); highest among the groups gnomAD compares: African/African-American, 41%; 15,282 homozygotes.

Submission:

GeneDx
Classification: Benign. Last evaluated: 2018-06-14. Review status: criteria provided, single submitter. Criteria: GeneDx Variant Classification (06012015). Collection method: clinical testing. Allele origin: germline. Affected: yes.
Comment: This variant is considered likely benign or benign based on one or more of the following criteria: it is a conservative change, it occurs at a poorly conserved position in the protein, it is predicted to be benign by multiple in silico algorithms, and/or has population frequency not consistent with disease.

NM_001379210.1(SLC25A26):c.34-136C>G

Gene: SLC25A26 (solute carrier family 25 member 26; plus strand). Cytogenetic location: 3p14.1.
Variant type: single nucleotide variant.
Coding change: c.34-136C>G on transcript NM_001379210.1 (MANE Select); 136 bases into the intron before coding-DNA position 34, C replaced by G.
Molecular consequence: intron variant.
Genome position (GRCh38, 1-based): chr3:66,236,408, C>G. VCF-style: chr3-66236408-C-G. GRCh37 (hg19) VCF-style: chr3-66286832-C-G.
Other names: c.34-136C>G (NM_173471.4); c.-231-136C>G (NM_001350993.1); c.-74-6795C>G (NM_001164796.1).
Identifiers: ClinVar variation 683881 (VCV000683881.1), dbSNP rs180760147, ClinGen allele CA11475107.